The following is an entry in ClinVar:

ClinVar aggregate classification (germline): Uncertain significance (1 of 4 stars; one submission).

gnomAD v4.1: 2 of 1,613,646 alleles (0.00012%); highest among the groups gnomAD compares: African/African-American, 0.0013%; no homozygotes.

Submission:

Labcorp Genetics (formerly Invitae), Labcorp
Classification: Uncertain significance. Last evaluated: 2025-10-21. Review status: criteria provided, single submitter. Criteria: Invitae Variant Classification Sherloc (09022015). Collection method: clinical testing. Allele origin: germline.
Comment: This sequence change replaces threonine, which is neutral and polar, with alanine, which is neutral and non-polar, at codon 645 of the PRPF8 protein (p.Thr645Ala). This variant is not present in population databases (gnomAD no frequency). This variant has not been reported in the literature in individuals affected with PRPF8-related conditions. Invitae Evidence Modeling of protein sequence and biophysical properties (such as structural, functional, and spatial information, amino acid conservation, physicochemical variation, residue mobility, and thermodynamic stability) indicates that this missense variant is not expected to disrupt PRPF8 protein function with a negative predictive value of 80%. In summary, the available evidence is currently insufficient to determine the role of this variant in disease. Therefore, it has been classified as a Variant of Uncertain Significance.

NM_006445.4(PRPF8):c.1933A>G (p.Thr645Ala)

Gene: PRPF8 (pre-mRNA processing factor 8; minus strand). Cytogenetic location: 17p13.3.
Variant type: single nucleotide variant.
Coding change: c.1933A>G on transcript NM_006445.4 (MANE Select); coding-DNA position 1933, A replaced by G.
Protein change: p.Thr645Ala; replaces threonine 645 with alanine.
Molecular consequence: missense variant.
Genome position (GRCh38, 1-based): chr17:1,677,616, T>C on the plus strand (A>G on the coding strand, the complement: PRPF8 is on the minus strand). VCF-style: chr17-1677616-T-C. GRCh37 (hg19) VCF-style: chr17-1580910-T-C.
Other names: short protein forms T645A.
Identifiers: ClinVar variation 4744074 (VCV004744074.1).
Genomic context (GRCh38, chr17:1,677,616, plus strand): 5'-ACCACTCACCTTCAAACTGCCGGGCCAGGAGGTTGCCAAGCCATCGCTCTAATAAAGGGG[T>C]AATGCCACGCATGAAAAAGAGCCAGACTCGCCAACCGGCAGCCCAGAAGCCACAGCCAGG-3'
Protein context (NP_006436.3, residues 635-655): RVWLFFMRGI[Thr645Ala]PLLERWLGNL